The following is an entry in ClinVar:

ClinVar aggregate classification (germline): Benign/Likely benign. Review status: criteria provided, multiple submitters, no conflicts (2 of 4 stars). 7 submissions from 7 submitters: Benign (4); Likely benign (1). 2 of the submissions do not count toward it. Last evaluated 2026-02-04.

Conditions:
Fraser syndrome 1 (FRASRS1). Also called: CRYPTOPHTHALMOS WITH OTHER MALFORMATIONS. Identifiers: Orphanet 2052, MedGen C4551480, MONDO:0054737, OMIM 219000.

Allele frequency attached by ClinVar (database versions not stated): gnomAD exomes 0.02316 and 0.01331; ESP Exome Variant Server 0.00774; 1000 Genomes Project 0.01338; TOPMed 0.01341; 1000 Genomes Project 30x 0.01405; gnomAD 0.01454 and 0.01455; ExAC 0.02191.
gnomAD v4.1: 21,537 of 1,612,872 alleles (1.3%); highest among the groups gnomAD compares: Admixed American, 8.1%; 365 homozygotes.

Submissions (28):

Labcorp Genetics (formerly Invitae), Labcorp
Classification: Benign. Last evaluated: 2026-02-04. Review status: criteria provided, single submitter. Criteria: Invitae Variant Classification Sherloc (09022015). Collection method: clinical testing. Allele origin: germline.

Blueprint Genetics
Classification: Likely benign. Last evaluated: 2024-11-25. Review status: criteria provided, single submitter. Criteria: ACMG Guidelines, 2015. Collection method: clinical testing. Allele origin: germline.

Mayo Clinic Laboratories, Mayo Clinic
Classification: Benign. Last evaluated: 2022-07-15. Review status: criteria provided, single submitter. Criteria: ACMG Guidelines, 2015. Collection method: clinical testing. Allele origin: germline. Observed: 3 variant alleles.

Illumina Laboratory Services, Illumina
Classification: Benign for Fraser syndrome 1. Last evaluated: 2018-01-13. Review status: criteria provided, single submitter. Criteria: ICSL Variant Classification Criteria 13 December 2019. Collection method: clinical testing. Allele origin: germline.
Comment: This variant was observed in the ICSL laboratory as part of a predisposition screen in an ostensibly healthy population. It had not been previously curated by ICSL or reported in the Human Gene Mutation Database (HGMD: prior to June 1st, 2018), and was therefore a candidate for classification through an automated scoring system. Utilizing variant allele frequency, disease prevalence and penetrance estimates, and inheritance mode, an automated score was calculated to assess if this variant is too frequent to cause the disease. Based on the score and internal cut-off values, a variant classified as benign is not then subjected to further curation. The score for this variant resulted in a classification of benign for this disease.

Breakthrough Genomics
Classification: Benign. Review status: criteria provided, single submitter. Criteria: ACMG Guidelines, 2015. Collection method: not provided. Allele origin: germline. Inheritance: Autosomal recessive inheritance. Affected: yes.

Dr. Peter K. Rogan Lab, Western University
No classification provided (evidence only). Condition: Clear cell carcinoma of kidney. Review status: no classification provided. Collection method: in vitro. Allele origin: not applicable. Functional consequence: retained intron. Not counted in ClinVar's aggregate classification.

Dr. Peter K. Rogan Lab, Western University
No classification provided (evidence only). Condition: Melanoma. Review status: no classification provided. Collection method: in vitro. Allele origin: not applicable. Functional consequence: retained intron. Not counted in ClinVar's aggregate classification.

Dr. Peter K. Rogan Lab, Western University
No classification provided (evidence only). Condition: Colon adenocarcinoma. Review status: no classification provided. Collection method: in vitro. Allele origin: not applicable. Functional consequence: retained intron. Not counted in ClinVar's aggregate classification.

Dr. Peter K. Rogan Lab, Western University
No classification provided (evidence only). Condition: Colon adenocarcinoma. Review status: no classification provided. Collection method: in vitro. Allele origin: not applicable. Functional consequence: retained intron. Not counted in ClinVar's aggregate classification.

Dr. Peter K. Rogan Lab, Western University
No classification provided (evidence only). Condition: Thyroid cancer, nonmedullary, 1. Review status: no classification provided. Collection method: in vitro. Allele origin: not applicable. Functional consequence: retained intron. Not counted in ClinVar's aggregate classification.

Dr. Peter K. Rogan Lab, Western University
No classification provided (evidence only). Condition: Thyroid cancer, nonmedullary, 1. Review status: no classification provided. Collection method: in vitro. Allele origin: not applicable. Functional consequence: retained intron. Not counted in ClinVar's aggregate classification.

Dr. Peter K. Rogan Lab, Western University
No classification provided (evidence only). Condition: Thyroid cancer, nonmedullary, 1. Review status: no classification provided. Collection method: in vitro. Allele origin: not applicable. Functional consequence: retained intron. Not counted in ClinVar's aggregate classification.

Dr. Peter K. Rogan Lab, Western University
No classification provided (evidence only). Condition: Thyroid cancer, nonmedullary, 1. Review status: no classification provided. Collection method: in vitro. Allele origin: not applicable. Functional consequence: retained intron. Not counted in ClinVar's aggregate classification.

Dr. Peter K. Rogan Lab, Western University
No classification provided (evidence only). Condition: Thyroid cancer, nonmedullary, 1. Review status: no classification provided. Collection method: in vitro. Allele origin: not applicable. Functional consequence: retained intron. Not counted in ClinVar's aggregate classification.

Dr. Peter K. Rogan Lab, Western University
No classification provided (evidence only). Condition: Cervical cancer. Review status: no classification provided. Collection method: in vitro. Allele origin: not applicable. Functional consequence: retained intron. Not counted in ClinVar's aggregate classification.

Dr. Peter K. Rogan Lab, Western University
No classification provided (evidence only). Condition: Cervical cancer. Review status: no classification provided. Collection method: in vitro. Allele origin: not applicable. Functional consequence: retained intron. Not counted in ClinVar's aggregate classification.

Dr. Peter K. Rogan Lab, Western University
No classification provided (evidence only). Condition: Sarcoma. Review status: no classification provided. Collection method: in vitro. Allele origin: not applicable. Functional consequence: retained intron. Not counted in ClinVar's aggregate classification.

Dr. Peter K. Rogan Lab, Western University
No classification provided (evidence only). Condition: Sarcoma. Review status: no classification provided. Collection method: in vitro. Allele origin: not applicable. Functional consequence: retained intron. Not counted in ClinVar's aggregate classification.

Dr. Peter K. Rogan Lab, Western University
No classification provided (evidence only). Condition: Hepatocellular carcinoma. Review status: no classification provided. Collection method: in vitro. Allele origin: not applicable. Functional consequence: retained intron. Not counted in ClinVar's aggregate classification.

Dr. Peter K. Rogan Lab, Western University
No classification provided (evidence only). Condition: Ovarian serous cystadenocarcinoma. Review status: no classification provided. Collection method: in vitro. Allele origin: not applicable. Functional consequence: retained intron. Not counted in ClinVar's aggregate classification.

Dr. Peter K. Rogan Lab, Western University
No classification provided (evidence only). Condition: Uterine carcinosarcoma. Review status: no classification provided. Collection method: in vitro. Allele origin: not applicable. Functional consequence: retained intron. Not counted in ClinVar's aggregate classification.

Dr. Peter K. Rogan Lab, Western University
No classification provided (evidence only). Condition: Ovarian cancer. Review status: no classification provided. Collection method: in vitro. Allele origin: not applicable. Functional consequence: retained intron. Not counted in ClinVar's aggregate classification.

Dr. Peter K. Rogan Lab, Western University
No classification provided (evidence only). Condition: Ovarian cancer. Review status: no classification provided. Collection method: in vitro. Allele origin: not applicable. Functional consequence: retained intron. Not counted in ClinVar's aggregate classification.

Dr. Peter K. Rogan Lab, Western University
No classification provided (evidence only). Condition: Ovarian cancer. Review status: no classification provided. Collection method: in vitro. Allele origin: not applicable. Functional consequence: retained intron. Not counted in ClinVar's aggregate classification.

Dr. Peter K. Rogan Lab, Western University
No classification provided (evidence only). Condition: Ovarian cancer. Review status: no classification provided. Collection method: in vitro. Allele origin: not applicable. Functional consequence: retained intron. Not counted in ClinVar's aggregate classification.

Dr. Peter K. Rogan Lab, Western University
No classification provided (evidence only). Condition: Ovarian cancer. Review status: no classification provided. Collection method: in vitro. Allele origin: not applicable. Functional consequence: retained intron. Not counted in ClinVar's aggregate classification.

Genome Diagnostics Laboratory, University Medical Center Utrecht
Classification: Benign. Review status: no assertion criteria provided. Collection method: clinical testing. Allele origin: germline. Affected: yes. Study: VKGL Data-share Consensus. Not counted in ClinVar's aggregate classification.

Laboratory of Diagnostic Genome Analysis, Leiden University Medical Center (LUMC)
Classification: Likely benign. Review status: no assertion criteria provided. Collection method: clinical testing. Allele origin: germline. Affected: yes. Study: VKGL Data-share Consensus. Not counted in ClinVar's aggregate classification.

NM_025074.7(FRAS1):c.979C>T (p.Arg327Trp)

Gene: FRAS1 (Fraser extracellular matrix complex subunit 1; plus strand). Cytogenetic location: 4q21.21.
Variant type: single nucleotide variant.
Coding change: c.979C>T on transcript NM_025074.7 (MANE Select); coding-DNA position 979, C replaced by T.
Protein change: p.Arg327Trp; replaces arginine 327 with tryptophan.
Molecular consequence: missense variant.
Genome position (GRCh38, 1-based): chr4:78,267,430, C>T. VCF-style: chr4-78267430-C-T. GRCh37 (hg19) VCF-style: chr4-79188584-C-T.
Other names: p.Arg327Trp; c.979C>T, p.Arg327Trp (NM_001166133.2); short protein forms R327W.
Identifiers: ClinVar variation 349673 (VCV000349673.18), dbSNP rs61999335, ClinGen allele CA2976124.
Genomic context (GRCh38, chr4:78,267,430, plus strand): 5'-ATGTGTGATCATGGCCAAGTGACCTGCCAGACTGGAGAGTGTGCCAAAGTGGAGTGTGCC[C>T]GGGTAAGAAGCAGGGGCATTTCCATTTGGAACGTTGCAGCTCTTTCCAACGGGATAGTGA-3'
Protein context (NP_079350.5, residues 317-337): TGECAKVECA[Arg327Trp]DEELIHLDGK